The following is an entry in ClinVar:

ClinVar aggregate classification (germline): Uncertain significance (1 of 4 stars; one submission).

Conditions:
Exudative vitreoretinopathy 1 (EVR1). Also called: CRISWICK-SCHEPENS SYNDROME; FEVR, AUTOSOMAL DOMINANT; Familial exudative vitreoretinopathy, autosomal dominant. Identifiers: Orphanet 891, Orphanet 90050, MedGen C1851402, MONDO:0007589, OMIM 133780.

Allele frequency attached by ClinVar (database versions not stated): gnomAD exomes below 0.00001.
gnomAD v4.1: 1 of 1,614,162 alleles (0.000062%); highest among the groups gnomAD compares: Non-Finnish European, 0.000085%; no homozygotes.

Submission:

3billion
Classification: Uncertain significance for Exudative vitreoretinopathy 1. Last evaluated: 2022-01-03. Review status: criteria provided, single submitter. Criteria: ACMG Guidelines, 2015. Collection method: clinical testing. Allele origin: germline. Affected: yes. Observed: 1 heterozygote.
Comment: The variant is not observed in the gnomAD v2.1.1 dataset (PM2_M). In silico tool predictions suggest damaging effect of the variant on gene or gene product (REVEL: 0.753, PP3_P). A missense variant is a common mechanism associated with Retinopathy of prematurity (PP2_P). Therefore, this variant is classified as uncertain significance according to the recommendation of ACMG/AMP guideline.

NM_012193.4(FZD4):c.1007G>A (p.Gly336Asp)

Genes: FZD4 (frizzled class receptor 4; minus strand), PRSS23 (serine protease 23; plus strand). Cytogenetic location: 11q14.2.
Variant type: single nucleotide variant.
Coding change: c.1007G>A on transcript NM_012193.4 (MANE Select); coding-DNA position 1007, G replaced by A.
Protein change: p.Gly336Asp; replaces glycine 336 with aspartic acid.
Molecular consequence: missense variant. On other transcripts: non-coding transcript variant (2).
Genome position (GRCh38, 1-based): chr11:86,951,749, C>T on the plus strand (G>A on the coding strand, the complement: FZD4 is on the minus strand). VCF-style: chr11-86951749-C-T. GRCh37 (hg19) VCF-style: chr11-86662791-C-T.
Other names: short protein forms G336D.
Identifiers: ClinVar variation 1333625 (VCV001333625.1), dbSNP rs2135040743, ClinGen allele CA382013573.
Genomic context (GRCh38, chr11:86,951,749, plus strand): 5'-GCGGGGATGGCCCAGGCTGCAATGTGGAAATAAGAGCTGTGCATTTCAATGGCTTCATGA[C>T]CCCATTTGAGTCCTGCTGCCAAAAACCAAGTGAGTGTCAGAATAACCCACCAAATGGAGC-3'
Protein context (NP_036325.2, residues 326-346): TWFLAAGLKW[Gly336Asp]HEAIEMHSSY